The following is an entry in ClinVar:

NM_014956.5(CEP164):c.1410-11G>A

Gene: CEP164 (centrosomal protein 164; plus strand). Cytogenetic location: 11q23.3.
Variant type: single nucleotide variant.
Coding change: c.1410-11G>A on transcript NM_014956.5 (MANE Select); 11 bases into the intron before coding-DNA position 1410, G replaced by A.
Molecular consequence: intron variant.
Genome position (GRCh38, 1-based): chr11:117,381,690, G>A. VCF-style: chr11-117381690-G-A. GRCh37 (hg19) VCF-style: chr11-117252406-G-A.
Other names: c.1419-11G>A (NM_001271933.2).
Identifiers: ClinVar variation 1399026 (VCV001399026.4), dbSNP rs537713728, ClinGen allele CA6294752.

ClinVar aggregate classification (germline): Uncertain significance (1 of 4 stars; one submission).

Conditions:
Nephronophthisis 15 (NPHP15). Identifiers: Orphanet 3156, MedGen C3541853, MONDO:0013917, OMIM 614845.

Allele frequency attached by ClinVar (database versions not stated): gnomAD 0.00001 and 0.00003; gnomAD exomes 0.00004; 1000 Genomes Project 30x 0.00016; 1000 Genomes Project 0.00020.
gnomAD v4.1: 59 of 1,604,122 alleles (0.0037%); highest among the groups gnomAD compares: South Asian, 0.043%; no homozygotes.

Submission:

Labcorp Genetics (formerly Invitae), Labcorp
Classification: Uncertain significance for Nephronophthisis 15. Last evaluated: 2024-11-04. Review status: criteria provided, single submitter. Criteria: Invitae Variant Classification Sherloc (09022015). Collection method: clinical testing. Allele origin: germline.
Comment: This sequence change falls in intron 12 of the CEP164 gene. It does not directly change the encoded amino acid sequence of the CEP164 protein. This variant is present in population databases (rs537713728, gnomAD 0.05%). This variant has not been reported in the literature in individuals affected with CEP164-related conditions. ClinVar contains an entry for this variant (Variation ID: 1399026). Algorithms developed to predict the effect of sequence changes on RNA splicing suggest that this variant may disrupt the consensus splice site. In summary, the available evidence is currently insufficient to determine the role of this variant in disease. Therefore, it has been classified as a Variant of Uncertain Significance.